The following is an entry in ClinVar:

NM_000038.6(APC):c.4236A>C (p.Gly1412=)

Gene: APC (APC regulator of Wnt signaling pathway; plus strand). Cytogenetic location: 5q22.2.
Variant type: single nucleotide variant.
Coding change: c.4236A>C on transcript NM_000038.6 (MANE Select); coding-DNA position 4236, A replaced by C.
Protein change: p.Gly1412=; no amino-acid change (glycine 1412 retained).
Molecular consequence: synonymous variant. On other transcripts: non-coding transcript variant (2).
Genome position (GRCh38, 1-based): chr5:112,839,830, A>C. VCF-style: chr5-112839830-A-C. GRCh37 (hg19) VCF-style: chr5-112175527-A-C.
Other names: c.4236A>C, p.Gly1412= (NM_001127510.3, NM_001354895.2, NM_001407450.1); c.4182A>C, p.Gly1394= (NM_001127511.3); c.4290A>C, p.Gly1430= (NM_001354896.2, NM_001407447.1, NM_001407448.1 and 1 more transcripts); c.4266A>C, p.Gly1422= (NM_001354897.2); c.4161A>C, p.Gly1387= (NM_001354898.2); c.4152A>C, p.Gly1384= (NM_001354899.2); c.4113A>C, p.Gly1371= (NM_001354900.2); c.4059A>C, p.Gly1353= (NM_001354901.2, NM_001407453.1); and 11 more.
Identifiers: ClinVar variation 3148450 (VCV003148450.2), dbSNP rs2149909671, ClinGen allele CA445964230.

ClinVar aggregate classification (germline): Benign/Likely benign. Review status: criteria provided, multiple submitters, no conflicts (2 of 4 stars). 2 submissions from 2 submitters: Benign (1); Likely benign (1). Last evaluated 2025-08-06.

Conditions:
Familial adenomatous polyposis 1 (FAP1). Also called: POLYPOSIS, ADENOMATOUS INTESTINAL; FAMILIAL ADENOMATOUS POLYPOSIS 1, ATTENUATED. Identifiers: MedGen C2713442, MONDO:0021056, OMIM 175100. Disease mechanism: loss of function.

gnomAD v4.1: 1 of 1,614,020 alleles (0.000062%); highest among the groups gnomAD compares: Non-Finnish European, 0.000085%; no homozygotes.

Submissions (2):

Labcorp Genetics (formerly Invitae), Labcorp
Classification: Likely benign for Familial adenomatous polyposis 1. Last evaluated: 2025-08-06. Review status: criteria provided, single submitter. Criteria: Invitae Variant Classification Sherloc (09022015). Collection method: clinical testing. Allele origin: germline.

Myriad Genetics, Inc.
Classification: Benign for Familial adenomatous polyposis 1. Last evaluated: 2024-03-26. Review status: criteria provided, single submitter. Criteria: Myriad Autosomal Dominant, Autosomal Recessive and X-Linked Classification Criteria (2023). Collection method: clinical testing. Allele origin: unknown.
Comment: This variant is considered benign. This variant is a silent/synonymous amino acid change and it is not expected to impact splicing.